The following is an entry in ClinVar:

NM_000257.4(MYH7):c.3198C>G (p.Ile1066Met)

Gene: MYH7 (myosin heavy chain 7; minus strand). Cytogenetic location: 14q11.2.
Variant type: single nucleotide variant.
Coding change: c.3198C>G on transcript NM_000257.4 (MANE Select); coding-DNA position 3198, C replaced by G.
Protein change: p.Ile1066Met; replaces isoleucine 1066 with methionine.
Molecular consequence: missense variant.
Genome position (GRCh38, 1-based): chr14:23,422,227, G>C on the plus strand (C>G on the coding strand, the complement: MYH7 is on the minus strand). VCF-style: chr14-23422227-G-C. GRCh37 (hg19) VCF-style: chr14-23891436-G-C.
Other names: short protein forms I1066M.
Identifiers: ClinVar variation 656341 (VCV000656341.9), dbSNP rs1218107954, ClinGen allele CA389045228.

ClinVar aggregate classification (germline): Uncertain significance. Review status: criteria provided, multiple submitters, no conflicts (2 of 4 stars). 2 submissions from 2 submitters: Uncertain significance (2). Last evaluated 2025-07-21.

Conditions:
Cardiomyopathy (CMYO). Also called: Cardiomyopathies. Identifiers: Orphanet 167848, MedGen C0878544, MONDO:0004994, HP:0001638. Inheritance: Various modes of inheritance.
Hypertrophic cardiomyopathy. Also called: HYPERTROPHIC MYOCARDIOPATHY. Identifiers: Orphanet 217569, MedGen C0007194, MeSH D002312, MONDO:0005045, HP:0001639.

Allele frequency attached by ClinVar (database versions not stated): gnomAD exomes below 0.00001; gnomAD 0.00001; TOPMed 0.00001.
gnomAD v4.1: 7 of 1,613,780 alleles (0.00043%); highest among the groups gnomAD compares: Non-Finnish European, 0.00059%; no homozygotes.

Submissions (2):

Labcorp Genetics (formerly Invitae), Labcorp
Classification: Uncertain significance for Hypertrophic cardiomyopathy. Last evaluated: 2025-07-21. Review status: criteria provided, single submitter. Criteria: Invitae Variant Classification Sherloc (09022015). Collection method: clinical testing. Allele origin: germline.
Comment: This sequence change replaces isoleucine, which is neutral and non-polar, with methionine, which is neutral and non-polar, at codon 1066 of the MYH7 protein (p.Ile1066Met). This variant is present in population databases (no rsID available, gnomAD 0.01%). This variant has not been reported in the literature in individuals affected with MYH7-related conditions. ClinVar contains an entry for this variant (Variation ID: 656341). Invitae Evidence Modeling of protein sequence and biophysical properties (such as structural, functional, and spatial information, amino acid conservation, physicochemical variation, residue mobility, and thermodynamic stability) has been performed for this missense variant. However, the output from this modeling did not meet the statistical confidence thresholds required to predict the impact of this variant on MYH7 protein function. In summary, the available evidence is currently insufficient to determine the role of this variant in disease. Therefore, it has been classified as a Variant of Uncertain Significance.

All of Us Research Program, National Institutes of Health
Classification: Uncertain significance for Cardiomyopathy. Last evaluated: 2024-06-09. Review status: criteria provided, single submitter. Criteria: ACMG Guidelines, 2015. Collection method: clinical testing. Allele origin: germline. Inheritance: Autosomal dominant inheritance. Observed: 1 variant allele, 1 heterozygote.
Comment: This missense variant replaces isoleucine with methionine at codon 1066 of the MYH7 protein. Computational prediction tools indicate that this variant has a neutral impact on protein structure and function. To our knowledge, functional studies have not been reported for this variant. This variant has not been reported in individuals affected with MYH7-related disorders in the literature. This variant has been identified in 2/31394 chromosomes in the general population by the Genome Aggregation Database (gnomAD). The available evidence is insufficient to determine the role of this variant in disease conclusively. Therefore, this variant is classified as a Variant of Uncertain Significance.

This study involves interpretation of variants in research participants for the purpose of population health screening. Participant phenotype was not available at the time of variant classification. Additional details can be found in publication PMID: 35346344, PMCID: PMC8962531